The following is an entry in ClinVar:

NM_000342.4(SLC4A1):c.1431G>C (p.Ser477=)

Gene: SLC4A1 (solute carrier family 4 member 1 (Diego blood group); minus strand). Cytogenetic location: 17q21.31.
Variant type: single nucleotide variant.
Coding change: c.1431G>C on transcript NM_000342.4 (MANE Select); coding-DNA position 1431, G replaced by C.
Protein change: p.Ser477=; no amino-acid change (serine 477 retained).
Molecular consequence: synonymous variant.
Genome position (GRCh38, 1-based): chr17:44,257,659, C>G on the plus strand (G>C on the coding strand, the complement: SLC4A1 is on the minus strand). VCF-style: chr17-44257659-C-G. GRCh37 (hg19) VCF-style: chr17-42335027-C-G.
Identifiers: ClinVar variation 2751127 (VCV002751127.3), dbSNP rs1176855098, ClinGen allele CA500619034.

ClinVar aggregate classification (germline): Uncertain significance (1 of 4 stars; one submission).

Submission:

Labcorp Genetics (formerly Invitae), Labcorp
Classification: Uncertain significance. Last evaluated: 2023-12-27. Review status: criteria provided, single submitter. Criteria: Invitae Variant Classification Sherloc (09022015). Collection method: clinical testing. Allele origin: germline.
Comment: This sequence change affects codon 477 of the SLC4A1 mRNA. It is a 'silent' change, meaning that it does not change the encoded amino acid sequence of the SLC4A1 protein. This variant also falls at the last nucleotide of exon 12, which is part of the consensus splice site for this exon. This variant is not present in population databases (gnomAD no frequency). This variant has not been reported in the literature in individuals affected with SLC4A1-related conditions. Variants that disrupt the consensus splice site are a relatively common cause of aberrant splicing (PMID: 17576681, 9536098). Algorithms developed to predict the effect of sequence changes on RNA splicing suggest that this variant may disrupt the consensus splice site. In summary, the available evidence is currently insufficient to determine the role of this variant in disease. Therefore, it has been classified as a Variant of Uncertain Significance.

Literature cited by the submitters: PubMed 17576681; PubMed 9536098.